The following is an entry in ClinVar:

ClinVar aggregate classification (germline): Conflicting classifications of pathogenicity. Review status: criteria provided, conflicting classifications (1 of 4 stars). 6 submissions from 5 submitters: Uncertain significance (5); Likely benign (1). Last evaluated 2025-08-14.

Conditions:
Inborn genetic diseases. Identifiers: MedGen C0950123, MeSH D030342.
Pseudoachondroplastic spondyloepiphyseal dysplasia syndrome (PSACH). Also called: COMP-Related Pseudoachondroplasia; PSEUDOACHONDROPLASTIC DYSPLASIA; Pseudoachondroplasia. Identifiers: Orphanet 750, MedGen C0410538, MONDO:0008322, OMIM 177170.
Multiple epiphyseal dysplasia type 1. Also called: COMP-Related Multiple Epiphyseal Dysplasia. Identifiers: Orphanet 93308, MedGen C1838280, MONDO:0007561, OMIM 132400.

Allele frequency attached by ClinVar (database versions not stated): gnomAD 0.00007 and 0.00009; ESP Exome Variant Server 0.00008; TOPMed 0.00008; ExAC 0.00012; gnomAD exomes 0.00015.
gnomAD v4.1: 138 of 1,614,002 alleles (0.0086%); highest among the groups gnomAD compares: Middle Eastern, 0.016%; no homozygotes.

Submissions (6):

Labcorp Genetics (formerly Invitae), Labcorp
Classification: Uncertain significance. Last evaluated: 2025-08-14. Review status: criteria provided, single submitter. Criteria: Invitae Variant Classification Sherloc (09022015). Collection method: clinical testing. Allele origin: germline.
Comment: This sequence change replaces threonine, which is neutral and polar, with arginine, which is basic and polar, at codon 660 of the COMP protein (p.Thr660Arg). This variant is present in population databases (rs150534218, gnomAD 0.03%), and has an allele count higher than expected for a pathogenic variant. This variant has not been reported in the literature in individuals affected with COMP-related conditions. ClinVar contains an entry for this variant (Variation ID: 328611). Invitae Evidence Modeling of protein sequence and biophysical properties (such as structural, functional, and spatial information, amino acid conservation, physicochemical variation, residue mobility, and thermodynamic stability) has been performed for this missense variant. However, the output from this modeling did not meet the statistical confidence thresholds required to predict the impact of this variant on COMP protein function. In summary, the available evidence is currently insufficient to determine the role of this variant in disease. Therefore, it has been classified as a Variant of Uncertain Significance.

GeneDx
Classification: Uncertain significance. Last evaluated: 2025-06-30. Review status: criteria provided, single submitter. Criteria: GeneDx Variant Classification Process June 2021. Collection method: clinical testing. Allele origin: germline. Affected: yes.
Comment: In silico analysis supports that this missense variant has a deleterious effect on protein structure/function; Has not been previously published as pathogenic or benign to our knowledge

Ambry Genetics
Classification: Uncertain significance for Inborn genetic diseases. Last evaluated: 2024-08-19. Review status: criteria provided, single submitter. Criteria: Ambry Variant Classification Scheme 2023. Collection method: clinical testing. Allele origin: germline.

Department of Pathology and Laboratory Medicine, Sinai Health System
Classification: Uncertain significance for pseudoachondroplasia. Last evaluated: 2022-05-27. Review status: criteria provided, single submitter. Criteria: ACMG Guidelines, 2015. Collection method: research. Allele origin: germline.

Illumina Laboratory Services, Illumina
Classification: Uncertain significance for Multiple epiphyseal dysplasia type 1. Last evaluated: 2018-01-13. Review status: criteria provided, single submitter. Criteria: ICSL Variant Classification Criteria 13 December 2019. Collection method: clinical testing. Allele origin: germline.

Illumina Laboratory Services, Illumina
Classification: Likely benign for Pseudoachondroplastic spondyloepiphyseal dysplasia syndrome. Last evaluated: 2018-01-13. Review status: criteria provided, single submitter. Criteria: ICSL Variant Classification Criteria 13 December 2019. Collection method: clinical testing. Allele origin: germline.
Comment: This variant was observed in the ICSL laboratory as part of a predisposition screen in an ostensibly healthy population. It had not been previously curated by ICSL or reported in the Human Gene Mutation Database (HGMD: prior to June 1st, 2018), and was therefore a candidate for classification through an automated scoring system. Utilizing variant allele frequency, disease prevalence and penetrance estimates, and inheritance mode, an automated score was calculated to assess if this variant is too frequent to cause the disease. Based on the score and internal cut-off values, a variant classified as likely benign is not then subjected to further curation. The score for this variant resulted in a classification of likely benign for this disease.

NM_000095.3(COMP):c.1979C>G (p.Thr660Arg)

Gene: COMP (cartilage oligomeric matrix protein; minus strand). Cytogenetic location: 19p13.11.
Variant type: single nucleotide variant.
Coding change: c.1979C>G on transcript NM_000095.3 (MANE Select); coding-DNA position 1979, C replaced by G.
Protein change: p.Thr660Arg; replaces threonine 660 with arginine.
Molecular consequence: missense variant.
Genome position (GRCh38, 1-based): chr19:18,784,299, G>C on the plus strand (C>G on the coding strand, the complement: COMP is on the minus strand). VCF-style: chr19-18784299-G-C. GRCh37 (hg19) VCF-style: chr19-18895109-G-C.
Other names: short protein forms T660R.
Identifiers: ClinVar variation 328611 (VCV000328611.14), dbSNP rs150534218, ClinGen allele CA9316214.